The following is an entry in ClinVar:

NM_015338.6(ASXL1):c.331T>G (p.Cys111Gly)

Gene: ASXL1 (ASXL transcriptional regulator 1; plus strand). Cytogenetic location: 20q11.21.
Variant type: single nucleotide variant.
Coding change: c.331T>G on transcript NM_015338.6 (MANE Select); coding-DNA position 331, T replaced by G.
Protein change: p.Cys111Gly; replaces cysteine 111 with glycine.
Molecular consequence: missense variant.
Genome position (GRCh38, 1-based): chr20:32,428,206, T>G. VCF-style: chr20-32428206-T-G. GRCh37 (hg19) VCF-style: chr20-31016009-T-G.
Other names: c.301T>G, p.Cys101Gly (NM_001363734.1); short protein forms C101G, C111G.
Identifiers: ClinVar variation 3793226 (VCV003793226.1).
Genomic context (GRCh38, chr20:32,428,206, plus strand): 5'-TCTCGCCATCCAGCTACAGTGGAGGGAGAGGAGCCAGAGGACACGGCTGATGTGGAGAGC[T>G]GTGGGTCTAATGAAGCCAGCACTGTGAGTGGTGAAAACGATGGTAAGGACCCTTTAATGG-3'
Protein context (NP_056153.2, residues 101-121): EPEDTADVES[Cys111Gly]GSNEASTVSG

ClinVar aggregate classification (germline): Uncertain significance (1 of 4 stars; one submission).

Conditions:
Inborn genetic diseases. Identifiers: MedGen C0950123, MeSH D030342.

gnomAD v4.1: 1 of 1,614,168 alleles (0.000062%); highest among the groups gnomAD compares: Non-Finnish European, 0.000085%; no homozygotes.

Submission:

Ambry Genetics
Classification: Uncertain significance for Inborn genetic diseases. Last evaluated: 2025-02-06. Review status: criteria provided, single submitter. Criteria: Ambry Variant Classification Scheme 2023. Collection method: clinical testing. Allele origin: germline.
Comment: The p.C111G variant (also known as c.331T>G), located in coding exon 5 of the ASXL1 gene, results from a T to G substitution at nucleotide position 331. The cysteine at codon 111 is replaced by glycine, an amino acid with highly dissimilar properties. This amino acid position is conserved. In addition, this alteration is predicted to be tolerated by in silico analysis. Based on the available evidence, the clinical significance of this variant remains unclear.